The following is an entry in ClinVar:

NM_000334.4(SCN4A):c.279C>G (p.Phe93Leu)

Gene: SCN4A (sodium voltage-gated channel alpha subunit 4; minus strand). Cytogenetic location: 17q23.3.
Variant type: single nucleotide variant.
Coding change: c.279C>G on transcript NM_000334.4 (MANE Select); coding-DNA position 279, C replaced by G.
Protein change: p.Phe93Leu; replaces phenylalanine 93 with leucine.
Molecular consequence: missense variant.
Genome position (GRCh38, 1-based): chr17:63,972,465, G>C on the plus strand (C>G on the coding strand, the complement: SCN4A is on the minus strand). VCF-style: chr17-63972465-G-C. GRCh37 (hg19) VCF-style: chr17-62049825-G-C.
Other names: short protein forms F93L.
Identifiers: ClinVar variation 1312245 (VCV001312245.3), dbSNP rs374574341, ClinGen allele CA400640083.

ClinVar aggregate classification (germline): Uncertain significance. Review status: criteria provided, multiple submitters, no conflicts (2 of 4 stars). 2 submissions from 2 submitters: Uncertain significance (2). Last evaluated 2025-11-26.

Conditions:
Hyperkalemic periodic paralysis. Also called: Familial hyperkalemic periodic paralysis; Gamstorp disease. Identifiers: Orphanet 682, MedGen C0238357, MONDO:0008224, OMIM 170500, HP:0007215.

Submissions (2):

Labcorp Genetics (formerly Invitae), Labcorp
Classification: Uncertain significance for Hyperkalemic periodic paralysis. Last evaluated: 2025-11-26. Review status: criteria provided, single submitter. Criteria: Invitae Variant Classification Sherloc (09022015). Collection method: clinical testing. Allele origin: germline.
Comment: This sequence change replaces phenylalanine, which is neutral and non-polar, with leucine, which is neutral and non-polar, at codon 93 of the SCN4A protein (p.Phe93Leu). This variant is not present in population databases (gnomAD no frequency). This variant has not been reported in the literature in individuals affected with SCN4A-related conditions. ClinVar contains an entry for this variant (Variation ID: 1312245). Invitae Evidence Modeling of protein sequence and biophysical properties (such as structural, functional, and spatial information, amino acid conservation, physicochemical variation, residue mobility, and thermodynamic stability) indicates that this missense variant is expected to disrupt SCN4A protein function with a positive predictive value of 80%. In summary, the available evidence is currently insufficient to determine the role of this variant in disease. Therefore, it has been classified as a Variant of Uncertain Significance.

GeneDx
Classification: Uncertain significance. Last evaluated: 2019-09-11. Review status: criteria provided, single submitter. Criteria: GeneDx Variant Classification Process June 2021. Collection method: clinical testing. Allele origin: germline. Affected: yes.
Comment: Not observed in large population cohorts (Lek et al., 2016); In silico analysis, which includes protein predictors and evolutionary conservation, supports a deleterious effect; Has not been previously published as pathogenic or benign to our knowledge